The following is an entry in ClinVar:

ClinVar aggregate classification (germline): Uncertain significance (1 of 4 stars; one submission).

Allele frequency attached by ClinVar (database versions not stated): gnomAD exomes below 0.00001.

Submission:

Ambry Genetics
Classification: Uncertain significance. Last evaluated: 2024-09-24. Review status: criteria provided, single submitter. Criteria: Ambry Variant Classification Scheme 2023. Collection method: clinical testing. Allele origin: germline.
Comment: The p.M1661L variant (also known as c.4981A>T), located in coding exon 16 of the POLQ gene, results from an A to T substitution at nucleotide position 4981. The methionine at codon 1661 is replaced by leucine, an amino acid with highly similar properties. This amino acid position is conserved. In addition, this alteration is predicted to be tolerated by in silico analysis. Since supporting evidence is limited at this time, the clinical significance of this alteration remains unclear.

NM_199420.4(POLQ):c.4981A>T (p.Met1661Leu)

Gene: POLQ (DNA polymerase theta; minus strand). Cytogenetic location: 3q13.33.
Variant type: single nucleotide variant.
Coding change: c.4981A>T on transcript NM_199420.4 (MANE Select); coding-DNA position 4981, A replaced by T.
Protein change: p.Met1661Leu; replaces methionine 1661 with leucine.
Molecular consequence: missense variant.
Genome position (GRCh38, 1-based): chr3:121,487,950, T>A on the plus strand (A>T on the coding strand, the complement: POLQ is on the minus strand). VCF-style: chr3-121487950-T-A. GRCh37 (hg19) VCF-style: chr3-121206797-T-A.
Other names: short protein forms M1661L.
Identifiers: ClinVar variation 1744535 (VCV001744535.3), dbSNP rs1352193081, ClinGen allele CA354092762.